The following is an entry in ClinVar:

NM_001039141.3(TRIOBP):c.6061C>T (p.Arg2021Trp)

Gene: TRIOBP (TRIO and F-actin binding protein; plus strand). Cytogenetic location: 22q13.1.
Variant type: single nucleotide variant.
Coding change: c.6061C>T on transcript NM_001039141.3 (MANE Select); coding-DNA position 6061, C replaced by T.
Protein change: p.Arg2021Trp; replaces arginine 2021 with tryptophan.
Molecular consequence: missense variant.
Genome position (GRCh38, 1-based): chr22:37,757,986, C>T. VCF-style: chr22-37757986-C-T. GRCh37 (hg19) VCF-style: chr22-38153993-C-T.
Other names: c.922C>T, p.Arg308Trp (NM_007032.5, NM_138632.2); short protein forms R2021W, R308W.
Identifiers: ClinVar variation 1707974 (VCV001707974.3), dbSNP rs1350119849, ClinGen allele CA411507577.

ClinVar aggregate classification (germline): Uncertain significance (1 of 4 stars; one submission).

Allele frequency attached by ClinVar (database versions not stated): gnomAD 0.00002.
gnomAD v4.1: 24 of 1,591,408 alleles (0.0015%); highest among the groups gnomAD compares: African/African-American, 0.0027%; no homozygotes.

Submission:

GeneDx
Classification: Uncertain significance. Last evaluated: 2025-08-14. Review status: criteria provided, single submitter. Criteria: GeneDx Variant Classification Process June 2021. Collection method: clinical testing. Allele origin: germline.
Comment: Not observed at significant frequency in large population cohorts (gnomAD); In silico analysis supports that this missense variant has a deleterious effect on protein structure/function; Has not been previously published as pathogenic or benign to our knowledge